The following is an entry in ClinVar:

NM_001035.3(RYR2):c.12548A>T (p.Lys4183Ile)

Genes: RYR2 (ryanodine receptor 2; plus strand), LOC126806068 (BRD4-independent group 4 enhancer GRCh37_chr1:237947411-237948610; plus strand). Cytogenetic location: 1q43.
Variant type: single nucleotide variant.
Coding change: c.12548A>T on transcript NM_001035.3 (MANE Select); coding-DNA position 12548, A replaced by T.
Protein change: p.Lys4183Ile; replaces lysine 4183 with isoleucine.
Molecular consequence: missense variant.
Genome position (GRCh38, 1-based): chr1:237,784,260, A>T. VCF-style: chr1-237784260-A-T. GRCh37 (hg19) VCF-style: chr1-237947560-A-T.
Other names: short protein forms K4183I.
Identifiers: ClinVar variation 920167 (VCV000920167.4), dbSNP rs1695367132, ClinGen allele CA345413595.
Genomic context (GRCh38, chr1:237,784,260, plus strand): 5'-CCCAGGTCAAGGAGTCCAAAAGACAGTTCATATTTGACGTGGTCAACGAAGGCGGAGAGA[A>T]AGAGAAGATGGAACTCTTTGTGAACTTCTGCGAGGACACCATCTTTGAAATGCAGCTGGC-3'
Protein context (NP_001026.2, residues 4173-4193): IFDVVNEGGE[Lys4183Ile]EKMELFVNFC

ClinVar aggregate classification (germline): Uncertain significance (1 of 4 stars; one submission).

Conditions:
Cardiomyopathy (CMYO). Also called: Cardiomyopathies. Identifiers: Orphanet 167848, MedGen C0878544, MONDO:0004994, HP:0001638. Inheritance: Various modes of inheritance.

Submission:

Color Diagnostics, LLC DBA Color Health
Classification: Uncertain significance for Cardiomyopathy. Last evaluated: 2024-03-06. Review status: criteria provided, single submitter. Criteria: ACMG Guidelines, 2015. Collection method: clinical testing. Allele origin: germline.
Comment: This missense variant replaces lysine with isoleucine at codon 4183 of the RYR2 protein. Computational prediction tool is inconclusive regarding the impact of this variant on protein structure and function (internally defined REVEL score threshold 0.5 < inconclusive < 0.7, PMID: 27666373). Splice site prediction tools suggest that this variant may not impact RNA splicing. To our knowledge, functional studies have not been performed for this variant. This variant has not been reported in individuals affected with cardiovascular disorders in the literature. This variant has not been identified in the general population by the Genome Aggregation Database (gnomAD). The available evidence is insufficient to determine the role of this variant in disease conclusively. Therefore, this variant is classified as a Variant of Uncertain Significance.